The following is an entry in ClinVar:

NM_198859.4(PRICKLE2):c.1546C>T (p.Gln516Ter)

Gene: PRICKLE2 (prickle planar cell polarity protein 2; minus strand). Cytogenetic location: 3p14.1.
Variant type: single nucleotide variant.
Coding change: c.1546C>T on transcript NM_198859.4 (MANE Select); coding-DNA position 1546, C replaced by T.
Protein change: p.Gln516Ter; replaces glutamine 516 with a stop codon.
Molecular consequence: nonsense.
Genome position (GRCh38, 1-based): chr3:64,146,944, G>A on the plus strand (C>T on the coding strand, the complement: PRICKLE2 is on the minus strand). VCF-style: chr3-64146944-G-A. GRCh37 (hg19) VCF-style: chr3-64132620-G-A.
Other names: c.1546C>T, p.Gln516Ter (NM_001370528.1); short protein forms Q516*.
Identifiers: ClinVar variation 3355595 (VCV003355595.1).

ClinVar aggregate classification (germline): Uncertain significance (0 of 4 stars; one submission).

Conditions:
PRICKLE2-related disorder. Also called: PRICKLE2-related condition.

Submission:

PreventionGenetics, part of Exact Sciences
Classification: Uncertain significance for PRICKLE2-related condition. Last evaluated: 2024-08-16. Review status: no assertion criteria provided. Collection method: clinical testing. Allele origin: germline.
Comment: The PRICKLE2 c.1546C>T variant is predicted to result in premature protein termination (p.Gln516*). To our knowledge, this variant has not been reported in the literature or in a large population database, indicating this variant is rare. Although we suspect that this variant may be pathogenic, at this time, the clinical significance of this variant is uncertain due to the absence of conclusive functional and genetic evidence.